The following is an entry in ClinVar:

ClinVar aggregate classification (germline): Benign. Review status: criteria provided, multiple submitters, no conflicts (2 of 4 stars). 7 submissions from 7 submitters: Benign (7). Last evaluated 2026-02-01.

Allele frequency attached by ClinVar (database versions not stated): gnomAD exomes 0.02788 and 0.03379; ExAC 0.03610; TOPMed 0.04002; gnomAD 0.04022 and 0.04036; ESP Exome Variant Server 0.04190; 1000 Genomes Project 0.05012; 1000 Genomes Project 30x 0.05137.
gnomAD v4.1: 47,162 of 1,613,678 alleles (2.9%); highest among the groups gnomAD compares: African/African-American, 7.6%; 1,019 homozygotes.

Submissions (7):

Labcorp Genetics (formerly Invitae), Labcorp
Classification: Benign. Last evaluated: 2026-02-01. Review status: criteria provided, single submitter. Criteria: Invitae Variant Classification Sherloc (09022015). Collection method: clinical testing. Allele origin: germline.

Mayo Clinic Laboratories, Mayo Clinic
Classification: Benign. Last evaluated: 2022-04-17. Review status: criteria provided, single submitter. Criteria: ACMG Guidelines, 2015. Collection method: clinical testing. Allele origin: germline. Observed: 6 variant alleles.

Athena Diagnostics
Classification: Benign. Last evaluated: 2018-07-31. Review status: criteria provided, single submitter. Criteria: Athena Diagnostics Criteria. Collection method: clinical testing. Allele origin: germline.

GeneDx
Classification: Benign. Last evaluated: 2017-08-24. Review status: criteria provided, single submitter. Criteria: GeneDx Variant Classification (06012015). Collection method: clinical testing. Allele origin: germline. Affected: yes.
Comment: This variant is considered likely benign or benign based on one or more of the following criteria: it is a conservative change, it occurs at a poorly conserved position in the protein, it is predicted to be benign by multiple in silico algorithms, and/or has population frequency not consistent with disease.

Laboratory for Molecular Medicine, Mass General Brigham Personalized Medicine
Classification: Benign. Last evaluated: 2012-04-30. Review status: criteria provided, single submitter. Criteria: LMM Criteria. Collection method: clinical testing. Allele origin: germline. Observed: 88 variant alleles.
Comment: 5487+9A>G in Intron 13 of TRIOBP: This variant is not expected to have clinical significance because it is not located within the conserved splice consensus seq uence and has been identified in 7.2% (269/3738) of African American chromosomes from a broad population by the NHLBI Exome Sequencing Project (dbSNP rs56016429).

Breakthrough Genomics
Classification: Benign. Review status: criteria provided, single submitter. Criteria: ACMG Guidelines, 2015. Collection method: not provided. Allele origin: germline. Inheritance: Autosomal recessive inheritance. Affected: yes.

PreventionGenetics, part of Exact Sciences
Classification: Benign. Review status: criteria provided, single submitter. Criteria: ACMG Guidelines, 2015. Collection method: clinical testing. Allele origin: germline.

NM_001039141.3(TRIOBP):c.5487+9A>G

Genes: TRIOBP (TRIO and F-actin binding protein; plus strand), LOC126863145 (CDK7 strongly-dependent group 2 enhancer GRCh37_chr22:38150829-38152028; plus strand). Cytogenetic location: 22q13.1.
Variant type: single nucleotide variant.
Coding change: c.5487+9A>G on transcript NM_001039141.3 (MANE Select); 9 bases into the intron after coding-DNA position 5487, A replaced by G.
Molecular consequence: intron variant.
Genome position (GRCh38, 1-based): chr22:37,754,993, A>G. VCF-style: chr22-37754993-A-G. GRCh37 (hg19) VCF-style: chr22-38151000-A-G.
Other names: p.?; c.348+9A>G (NM_007032.5, NM_138632.2).
Identifiers: ClinVar variation 43860 (VCV000043860.17), dbSNP rs56016429, ClinGen allele CA133044.